The following is an entry in ClinVar:

ClinVar aggregate classification (germline): Uncertain significance. Review status: criteria provided, multiple submitters, no conflicts (2 of 4 stars). 3 submissions from 3 submitters: Uncertain significance (3). Last evaluated 2025-09-24.

Conditions:
Inborn genetic diseases. Identifiers: MedGen C0950123, MeSH D030342.

Allele frequency attached by ClinVar (database versions not stated): TOPMed 0.00024; ExAC 0.00002; gnomAD 0.00003; gnomAD exomes 0.00001.
gnomAD v4.1: 32 of 1,613,170 alleles (0.002%); highest among the groups gnomAD compares: Non-Finnish European, 0.0014%; no homozygotes.

Submissions (3):

Labcorp Genetics (formerly Invitae), Labcorp
Classification: Uncertain significance. Last evaluated: 2025-09-24. Review status: criteria provided, single submitter. Criteria: Invitae Variant Classification Sherloc (09022015). Collection method: clinical testing. Allele origin: germline.
Comment: This sequence change replaces isoleucine, which is neutral and non-polar, with valine, which is neutral and non-polar, at codon 308 of the DNM1L protein (p.Ile308Val). This variant is present in population databases (rs745893339, gnomAD 0.01%). This variant has not been reported in the literature in individuals affected with DNM1L-related conditions. ClinVar contains an entry for this variant (Variation ID: 1707034). An algorithm developed to predict the effect of missense changes on protein structure and function (PolyPhen-2) suggests that this variant is likely to be tolerated. In summary, the available evidence is currently insufficient to determine the role of this variant in disease. Therefore, it has been classified as a Variant of Uncertain Significance.

Ambry Genetics
Classification: Uncertain significance for Inborn genetic diseases. Last evaluated: 2025-06-24. Review status: criteria provided, single submitter. Criteria: Ambry Variant Classification Scheme 2023. Collection method: clinical testing. Allele origin: germline.

GeneDx
Classification: Uncertain significance. Last evaluated: 2022-03-25. Review status: criteria provided, single submitter. Criteria: GeneDx Variant Classification Process June 2021. Collection method: clinical testing. Allele origin: germline. Affected: yes.
Comment: In silico analysis supports that this missense variant does not alter protein structure/function; Has not been previously published as pathogenic or benign to our knowledge

NM_012062.5(DNM1L):c.922A>G (p.Ile308Val)

Gene: DNM1L (dynamin 1 like; plus strand). Cytogenetic location: 12p11.21.
Variant type: single nucleotide variant.
Coding change: c.922A>G on transcript NM_012062.5 (MANE Select); coding-DNA position 922, A replaced by G.
Protein change: p.Ile308Val; replaces isoleucine 308 with valine.
Molecular consequence: missense variant.
Genome position (GRCh38, 1-based): chr12:32,722,476, A>G. VCF-style: chr12-32722476-A-G. GRCh37 (hg19) VCF-style: chr12-32875410-A-G.
Other names: c.922A>G, p.Ile308Val (NM_001278463.2, NM_005690.5, NM_012063.4); c.961A>G, p.Ile321Val (NM_001278464.2, NM_001278465.2, NM_001330380.2); c.313A>G, p.Ile105Val (NM_001278466.2); short protein forms I105V, I308V, I321V.
Identifiers: ClinVar variation 1707034 (VCV001707034.6), dbSNP rs745893339, ClinGen allele CA6507437.